The following is an entry in ClinVar:

NM_001378778.1(MPDZ):c.1012A>G (p.Ile338Val)

Gene: MPDZ (multiple PDZ domain crumbs cell polarity complex component; minus strand). Cytogenetic location: 9p23.
Variant type: single nucleotide variant.
Coding change: c.1012A>G on transcript NM_001378778.1 (MANE Select); coding-DNA position 1012, A replaced by G.
Protein change: p.Ile338Val; replaces isoleucine 338 with valine.
Molecular consequence: missense variant.
Genome position (GRCh38, 1-based): chr9:13,219,633, T>C on the plus strand (A>G on the coding strand, the complement: MPDZ is on the minus strand). VCF-style: chr9-13219633-T-C. GRCh37 (hg19) VCF-style: chr9-13219632-T-C.
Other names: c.1012A>G, p.Ile338Val (NM_001261406.2, NM_001261407.2, NM_001330637.2 and 14 more transcripts); c.1012A>G (NM_003829.3); short protein forms I338V.
Identifiers: ClinVar variation 1524414 (VCV001524414.9), dbSNP rs772769304, ClinGen allele CA4987940.

ClinVar aggregate classification (germline): Uncertain significance. Review status: criteria provided, multiple submitters, no conflicts (2 of 4 stars). 2 submissions from 2 submitters: Uncertain significance (2). Last evaluated 2025-01-18.

Conditions:
Inborn genetic diseases. Identifiers: MedGen C0950123, MeSH D030342.

Allele frequency attached by ClinVar (database versions not stated): gnomAD exomes 0.00001 and 0.00002; TOPMed 0.00003; ExAC 0.00001; gnomAD 0.00001.
gnomAD v4.1: 8 of 1,612,496 alleles (0.0005%); highest among the groups gnomAD compares: East Asian, 0.013%; no homozygotes.

Submissions (2):

Ambry Genetics
Classification: Uncertain significance for Inborn genetic diseases. Last evaluated: 2025-01-18. Review status: criteria provided, single submitter. Criteria: Ambry Variant Classification Scheme 2023. Collection method: clinical testing. Allele origin: germline.

Labcorp Genetics (formerly Invitae), Labcorp
Classification: Uncertain significance. Last evaluated: 2022-10-18. Review status: criteria provided, single submitter. Criteria: Invitae Variant Classification Sherloc (09022015). Collection method: clinical testing. Allele origin: germline.
Comment: This sequence change replaces isoleucine, which is neutral and non-polar, with valine, which is neutral and non-polar, at codon 338 of the MPDZ protein (p.Ile338Val). In summary, the available evidence is currently insufficient to determine the role of this variant in disease. Therefore, it has been classified as a Variant of Uncertain Significance. Algorithms developed to predict the effect of missense changes on protein structure and function output the following: SIFT: "Tolerated"; PolyPhen-2: "Benign"; Align-GVGD: "Class C0". The valine amino acid residue is found in multiple mammalian species, which suggests that this missense change does not adversely affect protein function. ClinVar contains an entry for this variant (Variation ID: 1524414). This missense change has been observed in individual(s) with nyctalopia, peripheral vision loss, and abnormal fundus, but onset at age 50 does not qualify for CRC (Invitae). This variant is present in population databases (rs772769304, gnomAD 0.02%).